The following is an entry in ClinVar:

ClinVar aggregate classification (germline): Uncertain significance (1 of 4 stars; one submission).

Conditions:
Epilepsy, idiopathic generalized, susceptibility to, 13. Also called: EPILEPSY, JUVENILE MYOCLONIC, SUSCEPTIBILITY TO, 5. Identifiers: Orphanet 307, Orphanet 64280, MedGen C4013473, MONDO:0012627, OMIM 611136.
Idiopathic generalized epilepsy. Also called: Generalised epilepsy; EIG. Identifiers: MedGen C0270850, MONDO:0005579, OMIM 600669.
Epilepsy, childhood absence 4 (ECA4). Also called: EPILEPSY, CHILDHOOD ABSENCE, SUSCEPTIBILITY TO, 4. Identifiers: Orphanet 307, MedGen C1970160.

Allele frequency attached by ClinVar (database versions not stated): gnomAD 0.00001.
gnomAD v4.1: 2 of 1,613,696 alleles (0.00012%); highest among the groups gnomAD compares: African/African-American, 0.0013%; no homozygotes.

Submission:

Labcorp Genetics (formerly Invitae), Labcorp
Classification: Uncertain significance for Epilepsy, childhood absence 4; Epilepsy, idiopathic generalized, susceptibility to, 13; Idiopathic generalized epilepsy. Last evaluated: 2024-04-25. Review status: criteria provided, single submitter. Criteria: Invitae Variant Classification Sherloc (09022015). Collection method: clinical testing. Allele origin: germline.
Comment: This sequence change replaces threonine, which is neutral and polar, with alanine, which is neutral and non-polar, at codon 453 of the GABRA1 protein (p.Thr453Ala). This variant is present in population databases (rs747892371, gnomAD 0.007%). This variant has not been reported in the literature in individuals affected with GABRA1-related conditions. ClinVar contains an entry for this variant (Variation ID: 1360716). Advanced modeling of protein sequence and biophysical properties (such as structural, functional, and spatial information, amino acid conservation, physicochemical variation, residue mobility, and thermodynamic stability) performed at Invitae indicates that this missense variant is not expected to disrupt GABRA1 protein function with a negative predictive value of 95%. In summary, the available evidence is currently insufficient to determine the role of this variant in disease. Therefore, it has been classified as a Variant of Uncertain Significance.

NM_001127644.2(GABRA1):c.1357A>G (p.Thr453Ala)

Gene: GABRA1 (gamma-aminobutyric acid type A receptor subunit alpha1; plus strand). Cytogenetic location: 5q34.
Variant type: single nucleotide variant.
Coding change: c.1357A>G on transcript NM_001127644.2 (MANE Select); coding-DNA position 1357, A replaced by G.
Protein change: p.Thr453Ala; replaces threonine 453 with alanine.
Molecular consequence: missense variant.
Genome position (GRCh38, 1-based): chr5:161,897,408, A>G. VCF-style: chr5-161897408-A-G. GRCh37 (hg19) VCF-style: chr5-161324414-A-G.
Other names: c.1357A>G, p.Thr453Ala (NM_000806.5, NM_001127643.2, NM_001127645.2 and 1 more transcripts); short protein forms T453A.
Identifiers: ClinVar variation 1360716 (VCV001360716.8), dbSNP rs747892371, ClinGen allele CA3544613.
Genomic context (GRCh38, chr5:161,897,408, plus strand): 5'-ATCTTTAACTTAGTCTACTGGGCTACGTATTTAAACAGAGAGCCTCAGCTAAAAGCCCCC[A>G]CACCACATCAATAGATCTTTTACTCACATTCTGTTGTTCAGTCCTCTGCACTGGGAATTT-3'
Protein context (NP_001121116.1, residues 443-456): LNREPQLKAP[Thr453Ala]PHQ